The following is an entry in ClinVar:

ClinVar aggregate classification (germline): Likely benign. Review status: criteria provided, multiple submitters, no conflicts (2 of 4 stars). 2 submissions from 2 submitters: Likely benign (2). Last evaluated 2018-06-16.

Allele frequency attached by ClinVar (database versions not stated): 1000 Genomes Project 0.00839; 1000 Genomes Project 30x 0.00859; TOPMed 0.02324; gnomAD 0.02588 and 0.02702; gnomAD exomes 0.03787.
gnomAD v4.1: 57,623 of 1,582,408 alleles (3.6%); highest among the groups gnomAD compares: Non-Finnish European, 4.4%; 1,338 homozygotes.

Submissions (2):

GeneDx
Classification: Likely benign. Last evaluated: 2018-06-16. Review status: criteria provided, single submitter. Criteria: GeneDx Variant Classification (06012015). Collection method: clinical testing. Allele origin: germline. Affected: yes.
Comment: This variant is considered likely benign or benign based on one or more of the following criteria: it is a conservative change, it occurs at a poorly conserved position in the protein, it is predicted to be benign by multiple in silico algorithms, and/or has population frequency not consistent with disease.

Breakthrough Genomics
Classification: Likely benign. Review status: criteria provided, single submitter. Criteria: ACMG Guidelines, 2015. Collection method: not provided. Allele origin: germline. Inheritance: Autosomal dominant inheritance. Affected: yes.

NM_001005373.4(LRSAM1):c.904-67C>T

Gene: LRSAM1 (leucine rich repeat and sterile alpha motif containing 1; plus strand). Cytogenetic location: 9q33.3.
Variant type: single nucleotide variant.
Coding change: c.904-67C>T on transcript NM_001005373.4 (MANE Select); 67 bases into the intron before coding-DNA position 904, C replaced by T.
Molecular consequence: intron variant.
Genome position (GRCh38, 1-based): chr9:127,479,772, C>T. VCF-style: chr9-127479772-C-T. GRCh37 (hg19) VCF-style: chr9-130242051-C-T.
Other names: c.904-67C>T (NM_138361.5, NM_001384142.1, NM_001384143.1 and 2 more transcripts); c.115-67C>T (NM_001384144.1).
Identifiers: ClinVar variation 675951 (VCV000675951.2), dbSNP rs56160932, ClinGen allele CA15601711.
Genomic context (GRCh38, chr9:127,479,772, plus strand): 5'-TGGCCGGAGGTCACACAAAAAGGATTGGCAAGGCAGGGTGGGAAAGCCAGCCTCCTAACC[C>T]CAGTCAGTACCCCTCACGGCGTCTGAGGGGGTCCCAGGGGCTCAGGACCCCTACCTCCGG-3'